The following is an entry in ClinVar:

NM_004655.4(AXIN2):c.522G>T (p.Ala174=)

Gene: AXIN2 (axin 2; minus strand). Cytogenetic location: 17q24.1.
Variant type: single nucleotide variant.
Coding change: c.522G>T on transcript NM_004655.4 (MANE Select); coding-DNA position 522, G replaced by T.
Protein change: p.Ala174=; no amino-acid change (alanine 174 retained).
Molecular consequence: synonymous variant.
Genome position (GRCh38, 1-based): chr17:65,558,099, C>A on the plus strand (G>T on the coding strand, the complement: AXIN2 is on the minus strand). VCF-style: chr17-65558099-C-A. GRCh37 (hg19) VCF-style: chr17-63554217-C-A.
Other names: c.522G>T (LRG_296t1); c.522G>T, p.Ala174= (NM_001363813.1).
Identifiers: ClinVar variation 464627 (VCV000464627.17), dbSNP rs780914406, ClinGen allele CA8719040.
Genomic context (GRCh38, chr17:65,558,099, plus strand): 5'-ATCAGAAGTCAAAAACATCTGGTAGGCATTTTCCTCCATCACCGACTGGATCTCGGTCTG[C>A]GCCTGGTCAAACATGATGGAATCAATCTGCTGCTTCTTGATGCCATCTCTTATGTAGGTC-3'
Protein context (NP_004646.3, residues 164-184): QQIDSIMFDQ[Ala174=]QTEIQSVMEE

ClinVar aggregate classification (germline): Benign/Likely benign. Review status: criteria provided, multiple submitters, no conflicts (2 of 4 stars). 5 submissions from 5 submitters: Benign (2); Likely benign (3). Last evaluated 2026-01-22.

Conditions:
Hereditary cancer-predisposing syndrome. Also called: Neoplastic Syndromes, Hereditary; Tumor predisposition; Hereditary Cancer Syndrome; Hereditary neoplastic syndrome. Identifiers: Orphanet 140162, MedGen C0027672, MeSH D009386, MONDO:0015356.
Oligodontia-cancer predisposition syndrome. Also called: TOOTH AGENESIS-COLORECTAL CANCER SYNDROME. Identifiers: Orphanet 300576, MedGen C1837750, MONDO:0012075, OMIM 608615. Disease mechanism: loss of function.

Allele frequency attached by ClinVar (database versions not stated): gnomAD 0.00002; TOPMed 0.00002; ExAC 0.00004; gnomAD exomes 0.00004.
gnomAD v4.1: 16 of 1,613,984 alleles (0.00099%); highest among the groups gnomAD compares: Admixed American, 0.027%; no homozygotes.

Submissions (5):

Labcorp Genetics (formerly Invitae), Labcorp
Classification: Likely benign for Oligodontia-cancer predisposition syndrome. Last evaluated: 2026-01-22. Review status: criteria provided, single submitter. Criteria: Invitae Variant Classification Sherloc (09022015). Collection method: clinical testing. Allele origin: germline.

Women's Health and Genetics/Laboratory Corporation of America, LabCorp
Classification: Likely benign. Last evaluated: 2025-07-12. Review status: criteria provided, single submitter. Criteria: LabCorp Variant Classification Summary - May 2015. Collection method: clinical testing. Allele origin: germline.

Myriad Genetics, Inc.
Classification: Benign for Oligodontia-cancer predisposition syndrome. Last evaluated: 2024-06-26. Review status: criteria provided, single submitter. Criteria: Myriad Autosomal Dominant, Autosomal Recessive and X-Linked Classification Criteria (2023). Collection method: clinical testing. Allele origin: unknown.
Comment: This variant is considered benign. This variant is a silent/synonymous amino acid change and it is not expected to impact splicing.

Sema4
Classification: Benign for Hereditary cancer-predisposing syndrome. Last evaluated: 2020-12-04. Review status: criteria provided, single submitter. Criteria: Sema4 Curation Guidelines. Collection method: curation. Allele origin: germline.

Ambry Genetics
Classification: Likely benign for Hereditary cancer-predisposing syndrome. Last evaluated: 2019-09-26. Review status: criteria provided, single submitter. Criteria: Ambry Variant Classification Scheme 2023. Collection method: clinical testing. Allele origin: germline.